The following is an entry in ClinVar:

ClinVar aggregate classification (germline): Uncertain significance. Review status: criteria provided, multiple submitters, no conflicts (2 of 4 stars). 7 submissions from 7 submitters: Uncertain significance (7). Last evaluated 2025-09-15.

Conditions:
Hereditary cancer-predisposing syndrome. Also called: Neoplastic Syndromes, Hereditary; Hereditary neoplastic syndrome; Tumor predisposition; Hereditary Cancer Syndrome. Identifiers: Orphanet 140162, MedGen C0027672, MeSH D009386, MONDO:0015356.
ATM-related cancer predisposition. Also called: ATM-related cancer susceptibility. Identifiers: MedGen CN377759, MONDO:0700270.
Ataxia-telangiectasia syndrome (AT). Also called: Ataxia telangiectasia (A-T); Cerebello-oculocutaneous telangiectasia; Immunodeficiency with ataxia telangiectasia; LOUIS-BAR SYNDROME; AT, COMPLEMENTATION GROUP C; ATAXIA-TELANGIECTASIA, FRESNO VARIANT. Identifiers: Orphanet 100, MedGen C0004135, MONDO:0008840, OMIM 208900.

Allele frequency attached by ClinVar (database versions not stated): gnomAD exomes 0.00001 and below 0.00001; TOPMed below 0.00001; ExAC 0.00001.
gnomAD v4.1: 5 of 1,613,806 alleles (0.00031%); highest among the groups gnomAD compares: Admixed American, 0.0017%; no homozygotes.

Submissions (7):

Women's Health and Genetics/Laboratory Corporation of America, LabCorp
Classification: Uncertain significance. Last evaluated: 2025-09-15. Review status: criteria provided, single submitter. Criteria: LabCorp Variant Classification Summary - May 2015. Collection method: clinical testing. Allele origin: germline.
Comment: Variant summary: ATM c.8800A>G (p.Thr2934Ala) results in a non-conservative amino acid change in the encoded protein sequence. Algorithms developed to predict the effect of missense changes on protein structure and function all suggest that this variant is likely to be disruptive. The variant allele was found at a frequency of 8e-06 in 251404 control chromosomes (gnomAD). The available data on variant occurrences in the general population are insufficient to allow any conclusion about variant significance. c.8800A>G has been observed in individuals affected with Breast Cancer without strong evidence of causality (e.g., Wong_2016, Gomes_2021, Dorling_2021). These reports do not provide unequivocal conclusions about association of the variant with Breast Cancer. To our knowledge, no experimental evidence demonstrating an impact on protein function has been reported. The following publications have been ascertained in the context of this evaluation (PMID: 29263802, 33128190, 33471991). ClinVar contains an entry for this variant (Variation ID: 232762). Based on the evidence outlined above, the variant was classified as uncertain significance.

Dasa
Classification: Uncertain significance for ATM-related cancer predisposition. Last evaluated: 2025-06-23. Review status: criteria provided, single submitter. Criteria: DASA Assertion Criteria. Collection method: clinical testing. Allele origin: germline.
Comment: NM_000051.4(ATM):c.8800A>G (p.Thr2934Ala) is a missense variant that results in the substitution of threonine with alanine. This variant is rare in population databases. Computational prediction algorithms are consistent with a deleterious effect. The currently available literature and clinical evidence are not sufficient to establish a definitive association between this variant and the reported condition. Therefore, this variant is classified as a variant of uncertain significance.

Labcorp Genetics (formerly Invitae), Labcorp
Classification: Uncertain significance for Ataxia-telangiectasia syndrome. Last evaluated: 2025-05-06. Review status: criteria provided, single submitter. Criteria: Invitae Variant Classification Sherloc (09022015). Collection method: clinical testing. Allele origin: germline.
Comment: This sequence change replaces threonine, which is neutral and polar, with alanine, which is neutral and non-polar, at codon 2934 of the ATM protein (p.Thr2934Ala). This variant is present in population databases (rs746351323, gnomAD 0.003%). This missense change has been observed in individual(s) with breast and/or ovarian cancer (PMID: 29263802, 33128190). ClinVar contains an entry for this variant (Variation ID: 232762). Invitae Evidence Modeling of protein sequence and biophysical properties (such as structural, functional, and spatial information, amino acid conservation, physicochemical variation, residue mobility, and thermodynamic stability) indicates that this missense variant is expected to disrupt ATM protein function with a positive predictive value of 95%. In summary, the available evidence is currently insufficient to determine the role of this variant in disease. Therefore, it has been classified as a Variant of Uncertain Significance.

Quest Diagnostics Nichols Institute San Juan Capistrano
Classification: Uncertain significance. Last evaluated: 2024-12-19. Review status: criteria provided, single submitter. Criteria: Quest Diagnostics criteria. Collection method: clinical testing. Allele origin: unknown.

Ambry Genetics
Classification: Uncertain significance for Hereditary cancer-predisposing syndrome. Last evaluated: 2024-09-12. Review status: criteria provided, single submitter. Criteria: Ambry Variant Classification Scheme 2023. Collection method: clinical testing. Allele origin: germline.
Comment: The p.T2934A variant (also known as c.8800A>G), located in coding exon 60 of the ATM gene, results from an A to G substitution at nucleotide position 8800. The threonine at codon 2934 is replaced by alanine, an amino acid with similar properties. This alteration has been reported in 1/220 Asian breast cancer patients (Wong ESY et al. NPJ Genom Med, 2016 Jan;1:15003). This alteration was also identified in an individual diagnosed with bilateral breast cancer (Gomes R et al. Breast Cancer Res Treat, 2021 Feb;185:851-861). This amino acid position is highly conserved in available vertebrate species. In addition, this alteration is predicted to be deleterious by in silico analysis. Based on the available evidence, the clinical significance of this variant remains unclear.

GeneDx
Classification: Uncertain significance. Last evaluated: 2024-02-11. Review status: criteria provided, single submitter. Criteria: GeneDx Variant Classification Process June 2021. Collection method: clinical testing. Allele origin: germline. Affected: yes.
Comment: Not observed at significant frequency in large population cohorts (gnomAD); In silico analysis supports that this missense variant has a deleterious effect on protein structure/function; Identified in individuals with breast cancer, at least one of whom was also heterozygous for a PALB2 frameshift variant (PMID: 33128190, 29263802); This variant is associated with the following publications: (PMID: 23532176, 29263802, 33128190)

Color Diagnostics, LLC DBA Color Health
Classification: Uncertain significance for Hereditary cancer-predisposing syndrome. Last evaluated: 2019-06-06. Review status: criteria provided, single submitter. Criteria: ACMG Guidelines, 2015. Collection method: clinical testing. Allele origin: germline.

Literature cited by the submitters: PubMed 29263802 (cited by 3 submitters); PubMed 33128190 (cited by 3 submitters); PubMed 33471991 (cited by Women's Health and Genetics/Laboratory Corporation of America, LabCorp).

NM_000051.4(ATM):c.8800A>G (p.Thr2934Ala)

Genes: ATM (ATM serine/threonine kinase; plus strand), C11orf65 (chromosome 11 open reading frame 65; minus strand). Cytogenetic location: 11q22.3.
Variant type: single nucleotide variant.
Coding change: c.8800A>G on transcript NM_000051.4 (MANE Select); coding-DNA position 8800, A replaced by G.
Protein change: p.Thr2934Ala; replaces threonine 2934 with alanine.
Molecular consequence: missense variant. On other transcripts: intron variant (2).
Genome position (GRCh38, 1-based): chr11:108,354,824, A>G. VCF-style: chr11-108354824-A-G. GRCh37 (hg19) VCF-style: chr11-108225551-A-G.
Other names: c.8800A>G, p.Thr2934Ala (NM_001351834.2); c.640+31096T>C (NM_001330368.2); c.695-19532T>C (NM_001351110.2); short protein forms T2934A.
Identifiers: ClinVar variation 232762 (VCV000232762.23), dbSNP rs746351323, ClinGen allele CA6266457.
Genomic context (GRCh38, chr11:108,354,824, plus strand): 5'-ACATTGGTGTGTAACAAAATCCGTATTTATAATGTGTTTGACTCTAGATGCTGTGAGAAA[A>G]CCATGGAAGTGATGAGAAACTCTCAGGAAACTCTGTTAACCATTGTAGAGGTAAAGTATT-3'
Protein context (NP_000042.3, residues 2924-2944): EGVFRRCCEK[Thr2934Ala]MEVMRNSQET